The following is an entry in ClinVar:

NM_001365951.3(KIF1B):c.2768T>C (p.Leu923Pro)

Genes: KIF1B (kinesin family member 1B; plus strand), LOC126805614 (BRD4-independent group 4 enhancer GRCh37_chr1:10385546-10386745; plus strand). Cytogenetic location: 1p36.22.
Variant type: single nucleotide variant.
Coding change: c.2768T>C on transcript NM_001365951.3 (MANE Select); coding-DNA position 2768, T replaced by C.
Protein change: p.Leu923Pro; replaces leucine 923 with proline.
Molecular consequence: missense variant.
Genome position (GRCh38, 1-based): chr1:10,326,203, T>C. VCF-style: chr1-10326203-T-C. GRCh37 (hg19) VCF-style: chr1-10386261-T-C.
Other names: c.2768T>C, p.Leu923Pro (NM_001365952.1); c.2630T>C, p.Leu877Pro (NM_015074.3); short protein forms L877P, L923P.
Identifiers: ClinVar variation 4841874 (VCV004841874.1).

ClinVar aggregate classification (germline): Uncertain significance (1 of 4 stars; one submission).

gnomAD v4.1: 1 of 1,614,196 alleles (0.000062%); highest among the groups gnomAD compares: Non-Finnish European, 0.000085%; no homozygotes.

Submission:

Ambry Genetics
Classification: Uncertain significance. Last evaluated: 2025-12-22. Review status: criteria provided, single submitter. Criteria: Ambry Variant Classification Scheme 2023. Collection method: clinical testing. Allele origin: germline.
Comment: The p.L877P variant (also known as c.2630T>C), located in coding exon 24 of the KIF1B gene, results from a T to C substitution at nucleotide position 2630. The leucine at codon 877 is replaced by proline, an amino acid with similar properties. This amino acid position is conserved. In addition, this alteration is predicted to be deleterious by in silico analysis. Based on the available evidence, the clinical significance of this variant remains unclear.